The following is an entry in ClinVar:

NM_022437.3(ABCG8):c.1470T>C (p.Gly490=)

Gene: ABCG8 (ATP binding cassette subfamily G member 8; plus strand). Cytogenetic location: 2p21.
Variant type: single nucleotide variant.
Coding change: c.1470T>C on transcript NM_022437.3 (MANE Select); coding-DNA position 1470, T replaced by C.
Protein change: p.Gly490=; no amino-acid change (glycine 490 retained).
Molecular consequence: synonymous variant.
Genome position (GRCh38, 1-based): chr2:43,874,465, T>C. VCF-style: chr2-43874465-T-C. GRCh37 (hg19) VCF-style: chr2-44101604-T-C.
Other names: p.Gly490=; c.1467T>C, p.Gly489= (NM_001357321.2).
Identifiers: ClinVar variation 336081 (VCV000336081.8), dbSNP rs775837092, ClinGen allele CA1637467.
Genomic context (GRCh38, chr2:43,874,465, plus strand): 5'-AGGTTACTCAGAGAGGGCAATGCTTTACTATGAACTGGAAGACGGGCTGTACACCACTGG[T>C]CCATATTTCTTTGCCAAGGTGACTGGGCAGGGTTGAGAGCAAGTGCCCCCCACCCACCAG-3'
Protein context (NP_071882.1, residues 480-500): YELEDGLYTT[Gly490=]PYFFAKILGE

ClinVar aggregate classification (germline): Conflicting classifications of pathogenicity. Review status: criteria provided, conflicting classifications (1 of 4 stars). 3 submissions from 3 submitters: Uncertain significance (1); Likely benign (2). Last evaluated 2025-09-03.

Conditions:
Cardiovascular phenotype. Identifiers: MedGen CN230736.
Sitosterolemia 1. Identifiers: MedGen C2749759, MONDO:0020747, OMIM 210250.

Allele frequency attached by ClinVar (database versions not stated): gnomAD 0.00001 and 0.00002; gnomAD exomes 0.00001; ExAC 0.00002; TOPMed 0.00006.
gnomAD v4.1: 24 of 1,613,572 alleles (0.0015%); highest among the groups gnomAD compares: Non-Finnish European, 0.0019%; no homozygotes.

Submissions (3):

Mayo Clinic Laboratories, Mayo Clinic
Classification: Likely benign. Last evaluated: 2025-09-03. Review status: criteria provided, single submitter. Criteria: ACMG Guidelines, 2015. Collection method: clinical testing. Allele origin: germline. Observed: 1 variant allele.
Comment: BP4, BP7, PM2_supporting

Ambry Genetics
Classification: Likely benign for Cardiovascular phenotype. Last evaluated: 2022-06-19. Review status: criteria provided, single submitter. Criteria: Ambry Variant Classification Scheme 2023. Collection method: clinical testing. Allele origin: germline.

Illumina Laboratory Services, Illumina
Classification: Uncertain significance for Sitosterolemia 1. Last evaluated: 2018-01-12. Review status: criteria provided, single submitter. Criteria: ICSL Variant Classification Criteria 13 December 2019. Collection method: clinical testing. Allele origin: germline.